The following is an entry in ClinVar:

ClinVar aggregate classification (germline): Uncertain significance (1 of 4 stars; one submission).

Conditions:
Cardiomyopathy (CMYO). Also called: Cardiomyopathies. Identifiers: Orphanet 167848, MedGen C0878544, MONDO:0004994, HP:0001638. Inheritance: Various modes of inheritance.

gnomAD v4.1: 1 of 1,612,356 alleles (0.000062%); no homozygotes.

Submission:

Color Diagnostics, LLC DBA Color Health
Classification: Uncertain significance for Cardiomyopathy. Last evaluated: 2025-06-17. Review status: criteria provided, single submitter. Criteria: ACMG Guidelines, 2015. Collection method: clinical testing. Allele origin: germline.
Comment: This missense variant replaces aspartic acid with tyrosine at codon 1998 of the RYR2 protein. Computational prediction suggests that this variant may not impact protein structure and function. To our knowledge, functional studies have not been reported for this variant. This variant has not been reported in individuals affected with RYR2-related disorders in the literature. This variant has been identified in 1/249142 chromosomes in the general population by the Genome Aggregation Database (gnomAD). The available evidence is insufficient to determine the role of this variant in disease conclusively. Therefore, this variant is classified as a Variant of Uncertain Significance.

NM_001035.3(RYR2):c.5992G>T (p.Asp1998Tyr)

Gene: RYR2 (ryanodine receptor 2; plus strand). Cytogenetic location: 1q43.
Variant type: single nucleotide variant.
Coding change: c.5992G>T on transcript NM_001035.3 (MANE Select); coding-DNA position 5992, G replaced by T.
Protein change: p.Asp1998Tyr; replaces aspartic acid 1998 with tyrosine.
Molecular consequence: missense variant.
Genome position (GRCh38, 1-based): chr1:237,623,840, G>T. VCF-style: chr1-237623840-G-T. GRCh37 (hg19) VCF-style: chr1-237787140-G-T.
Other names: short protein forms D1998Y.
Identifiers: ClinVar variation 4758814 (VCV004758814.1).